The following is an entry in ClinVar:

ClinVar aggregate classification (germline): Uncertain significance. Review status: criteria provided, multiple submitters, no conflicts (2 of 4 stars). 4 submissions from 4 submitters: Uncertain significance (4). Last evaluated 2026-01-25.

Conditions:
Hereditary cancer-predisposing syndrome. Also called: Hereditary neoplastic syndrome; Neoplastic Syndromes, Hereditary; Tumor predisposition; Hereditary Cancer Syndrome. Identifiers: Orphanet 140162, MedGen C0027672, MeSH D009386, MONDO:0015356.
Fanconi anemia complementation group J. Also called: BRIP1-Related Fanconi Anemia. Identifiers: Orphanet 84, MedGen C1836860, MONDO:0012187, OMIM 609054.
Familial cancer of breast. Also called: BREAST CANCER, FAMILIAL; hereditary breast carcinoma; Hereditary breast cancer. Identifiers: Orphanet 227535, MedGen C0346153, MONDO:0016419, OMIM 114480. Disease mechanism: loss of function.

Allele frequency attached by ClinVar (database versions not stated): gnomAD exomes below 0.00001; TOPMed below 0.00001; ExAC 0.00001; gnomAD 0.00001.
gnomAD v4.1: 3 of 1,613,434 alleles (0.00019%); highest among the groups gnomAD compares: East Asian, 0.0067%; no homozygotes.

Submissions (4):

Labcorp Genetics (formerly Invitae), Labcorp
Classification: Uncertain significance for Familial cancer of breast; Fanconi anemia complementation group J. Last evaluated: 2026-01-25. Review status: criteria provided, single submitter. Criteria: Invitae Variant Classification Sherloc (09022015). Collection method: clinical testing. Allele origin: germline.
Comment: This sequence change replaces glutamic acid, which is acidic and polar, with valine, which is neutral and non-polar, at codon 1178 of the BRIP1 protein (p.Glu1178Val). This variant is present in population databases (rs752850661, gnomAD 0.006%). This missense change has been observed in individual(s) with personal and/or family history of hereditary breast and ovarian cancer (PMID: 38136308). ClinVar contains an entry for this variant (Variation ID: 461155). Invitae Evidence Modeling of protein sequence and biophysical properties (such as structural, functional, and spatial information, amino acid conservation, physicochemical variation, residue mobility, and thermodynamic stability) indicates that this missense variant is not expected to disrupt BRIP1 protein function with a negative predictive value of 95%. In summary, the available evidence is currently insufficient to determine the role of this variant in disease. Therefore, it has been classified as a Variant of Uncertain Significance.

Ambry Genetics
Classification: Uncertain significance for Hereditary cancer-predisposing syndrome. Last evaluated: 2025-09-18. Review status: criteria provided, single submitter. Criteria: Ambry Variant Classification Scheme 2023. Collection method: clinical testing. Allele origin: germline.
Comment: The p.E1178V variant (also known as c.3533A>T), located in coding exon 19 of the BRIP1 gene, results from an A to T substitution at nucleotide position 3533. The glutamic acid at codon 1178 is replaced by valine, an amino acid with dissimilar properties. This variant was reported in 1/60,466 breast cancer cases and in 2/53,461 controls (Dorling et al. N Engl J Med. 2021 02;384:428-439). This amino acid position is poorly conserved in available vertebrate species. In addition, this alteration is predicted to be tolerated by in silico analysis. Since supporting evidence is limited at this time, the clinical significance of this alteration remains unclear.

Color Diagnostics, LLC DBA Color Health
Classification: Uncertain significance for Hereditary cancer-predisposing syndrome. Last evaluated: 2024-01-29. Review status: criteria provided, single submitter. Criteria: ACMG Guidelines, 2015. Collection method: clinical testing. Allele origin: germline.
Comment: This missense variant replaces glutamic acid with valine at codon 1178 of the BRIP1 protein. Computational prediction suggests that this variant may not impact protein structure and function. To our knowledge, functional studies have not been reported for this variant. This variant has been reported in an individual undergoing genetic testing for hereditary breast and ovarian cancer (PMID: 38136308). In an international breast cancer case-control meta-analysis, this variant was detected in 1/60466 cases and 2/53461 unaffected controls (PMID: 33471991). This variant has been identified in 1/250712 chromosomes in the general population by the Genome Aggregation Database (gnomAD). The available evidence is insufficient to determine the role of this variant in disease conclusively. Therefore, this variant is classified as a Variant of Uncertain Significance.

Baylor Genetics
Classification: Uncertain significance for Familial cancer of breast. Last evaluated: 2023-05-16. Review status: criteria provided, single submitter. Criteria: ACMG Guidelines, 2015. Collection method: clinical testing. Allele origin: unknown.

Literature cited by the submitters: PubMed 38136308 (cited by Labcorp Genetics (formerly Invitae), Labcorp and Color Diagnostics, LLC DBA Color Health); PubMed 33471991 (cited by Ambry Genetics and Color Diagnostics, LLC DBA Color Health).

NM_032043.3(BRIP1):c.3533A>T (p.Glu1178Val)

Gene: BRIP1 (BRCA1 interacting DNA helicase 1; minus strand). Cytogenetic location: 17q23.2.
Variant type: single nucleotide variant.
Coding change: c.3533A>T on transcript NM_032043.3 (MANE Select); coding-DNA position 3533, A replaced by T.
Protein change: p.Glu1178Val; replaces glutamic acid 1178 with valine.
Molecular consequence: missense variant.
Genome position (GRCh38, 1-based): chr17:61,683,513, T>A on the plus strand (A>T on the coding strand, the complement: BRIP1 is on the minus strand). VCF-style: chr17-61683513-T-A. GRCh37 (hg19) VCF-style: chr17-59760874-T-A.
Other names: short protein forms E1178V.
Identifiers: ClinVar variation 461155 (VCV000461155.21), dbSNP rs752850661, ClinGen allele CA8690353.